The following is an entry in ClinVar:

ClinVar aggregate classification (germline): Likely benign. Review status: criteria provided, multiple submitters, no conflicts (2 of 4 stars). 2 submissions from 2 submitters: Likely benign (2). Last evaluated 2026-06-25.

Conditions:
DNMT3A-related disorder. Also called: DNMT3A-related disorders; DNMT3A-related condition.
Inborn genetic diseases. Identifiers: MedGen C0950123, MeSH D030342.

gnomAD v4.1: 5 of 1,614,144 alleles (0.00031%); highest among the groups gnomAD compares: South Asian, 0.0011%; no homozygotes.

Submissions (2):

PreventionGenetics, part of Exact Sciences
Classification: Likely benign for DNMT3A-related condition. Last evaluated: 2026-06-25. Review status: criteria provided, single submitter. Criteria: ACMG Guidelines, 2015. Collection method: clinical testing. Allele origin: germline.
Comment: This variant is classified as likely benign based on ACMG/AMP sequence variant interpretation guidelines (Richards et al. 2015 PMID: 25741868, with internal and published modifications).

Ambry Genetics
Classification: Likely benign for Inborn genetic diseases. Last evaluated: 2025-07-03. Review status: criteria provided, single submitter. Criteria: Ambry Variant Classification Scheme 2023. Collection method: clinical testing. Allele origin: germline.

NM_022552.5(DNMT3A):c.2169C>G (p.Leu723=)

Gene: DNMT3A (DNA methyltransferase 3 alpha; minus strand). Cytogenetic location: 2p23.3.
Variant type: single nucleotide variant.
Coding change: c.2169C>G on transcript NM_022552.5 (MANE Select); coding-DNA position 2169, C replaced by G.
Protein change: p.Leu723=; no amino-acid change (leucine 723 retained).
Molecular consequence: synonymous variant. On other transcripts: non-coding transcript variant (1).
Genome position (GRCh38, 1-based): chr2:25,240,644, G>C on the plus strand (C>G on the coding strand, the complement: DNMT3A is on the minus strand). VCF-style: chr2-25240644-G-C. GRCh37 (hg19) VCF-style: chr2-25463513-G-C.
Other names: c.1713C>G, p.Leu571= (NM_001320893.1); c.1500C>G, p.Leu500= (NM_001375819.1); c.1602C>G, p.Leu534= (NM_153759.3); c.2169C>G, p.Leu723= (NM_175629.2).
Identifiers: ClinVar variation 4243592 (VCV004243592.2).